The following is an entry in ClinVar:

ClinVar aggregate classification (germline): Uncertain significance. Review status: criteria provided, multiple submitters, no conflicts (2 of 4 stars). 2 submissions from 2 submitters: Uncertain significance (2). Last evaluated 2026-01-21.

Conditions:
Brugada syndrome. Also called: Sudden unexpected nocturnal death syndrome; Sudden Unexplained Death Syndrome; Sudden Unexplained Nocturnal Death Syndrome (SUNDS); Sudden unexplained nocturnal death syndrome. Identifiers: Orphanet 130, MedGen C1142166, MONDO:0015263.
Cardiovascular phenotype. Identifiers: MedGen CN230736.

Allele frequency attached by ClinVar (database versions not stated): gnomAD 0.00004; TOPMed 0.00006; gnomAD exomes 0.00001.

Submissions (2):

Labcorp Genetics (formerly Invitae), Labcorp
Classification: Uncertain significance for Brugada syndrome. Last evaluated: 2026-01-21. Review status: criteria provided, single submitter. Criteria: Invitae Variant Classification Sherloc (09022015). Collection method: clinical testing. Allele origin: germline.
Comment: This sequence change replaces serine, which is neutral and polar, with leucine, which is neutral and non-polar, at codon 906 of the CACNA2D1 protein (p.Ser906Leu). This variant is present in population databases (no rsID available, gnomAD 0.01%). This variant has not been reported in the literature in individuals affected with CACNA2D1-related conditions. ClinVar contains an entry for this variant (Variation ID: 859997). An algorithm developed to predict the effect of missense changes on protein structure and function (PolyPhen-2) suggests that this variant is likely to be disruptive. Algorithms developed to predict the effect of sequence changes on RNA splicing suggest that this variant may disrupt the consensus splice site. In summary, the available evidence is currently insufficient to determine the role of this variant in disease. Therefore, it has been classified as a Variant of Uncertain Significance.

Ambry Genetics
Classification: Uncertain significance for Cardiovascular phenotype. Last evaluated: 2025-12-16. Review status: criteria provided, single submitter. Criteria: Ambry Variant Classification Scheme 2023. Collection method: clinical testing. Allele origin: germline.

NM_000722.4(CACNA2D1):c.2717C>T (p.Ser906Leu)

Gene: CACNA2D1 (calcium voltage-gated channel auxiliary subunit alpha2delta 1; minus strand). Cytogenetic location: 7q21.11.
Variant type: single nucleotide variant.
Coding change: c.2717C>T on transcript NM_000722.4 (MANE Select); coding-DNA position 2717, C replaced by T.
Protein change: p.Ser906Leu; replaces serine 906 with leucine.
Molecular consequence: missense variant.
Genome position (GRCh38, 1-based): chr7:81,964,217, G>A on the plus strand (C>T on the coding strand, the complement: CACNA2D1 is on the minus strand). VCF-style: chr7-81964217-G-A. GRCh37 (hg19) VCF-style: chr7-81593533-G-A.
Other names: c.2753C>T, p.Ser918Leu (NM_001366867.1); short protein forms S918L, S906L.
Identifiers: ClinVar variation 859997 (VCV000859997.12), dbSNP rs1015793463, ClinGen allele CA161121740.